The following is an entry in ClinVar:

ClinVar aggregate classification (germline): Uncertain significance. Review status: criteria provided, multiple submitters, no conflicts (2 of 4 stars). 2 submissions from 2 submitters: Uncertain significance (2). Last evaluated 2023-10-20.

Conditions:
Hereditary cancer-predisposing syndrome. Also called: Neoplastic Syndromes, Hereditary; Tumor predisposition; Hereditary neoplastic syndrome; Hereditary Cancer Syndrome. Identifiers: Orphanet 140162, MedGen C0027672, MeSH D009386, MONDO:0015356.
Hereditary nonpolyposis colorectal neoplasms. Identifiers: MedGen C0009405, MeSH D003123.

Allele frequency attached by ClinVar (database versions not stated): ExAC 0.00001.

Submissions (2):

Ambry Genetics
Classification: Uncertain significance for Hereditary cancer-predisposing syndrome. Last evaluated: 2023-10-20. Review status: criteria provided, single submitter. Criteria: Ambry Variant Classification Scheme 2023. Collection method: clinical testing. Allele origin: germline.
Comment: The p.K169E variant (also known as c.505A>G), located in coding exon 3 of the MSH6 gene, results from an A to G substitution at nucleotide position 505. The lysine at codon 169 is replaced by glutamic acid, an amino acid with similar properties. This amino acid position is highly conserved in available vertebrate species. In addition, the in silico prediction for this alteration is inconclusive. Since supporting evidence is limited at this time, the clinical significance of this alteration remains unclear.

Labcorp Genetics (formerly Invitae), Labcorp
Classification: Uncertain significance for Hereditary nonpolyposis colorectal neoplasms. Last evaluated: 2021-03-29. Review status: criteria provided, single submitter. Criteria: Invitae Variant Classification Sherloc (09022015). Collection method: clinical testing. Allele origin: germline.
Comment: In summary, the available evidence is currently insufficient to determine the role of this variant in disease. Therefore, it has been classified as a Variant of Uncertain Significance. Algorithms developed to predict the effect of sequence changes on RNA splicing suggest that this variant may create or strengthen a splice site, but this prediction has not been confirmed by published transcriptional studies. Advanced modeling of protein sequence and biophysical properties (such as structural, functional, and spatial information, amino acid conservation, physicochemical variation, residue mobility, and thermodynamic stability) performed at Invitae indicates that this missense variant is not expected to disrupt MSH6 protein function. This variant has not been reported in the literature in individuals with MSH6-related conditions. This variant is present in population databases (rs761721805, ExAC 0.002%). This sequence change replaces lysine with glutamic acid at codon 169 of the MSH6 protein (p.Lys169Glu). The lysine residue is moderately conserved and there is a small physicochemical difference between lysine and glutamic acid.

NM_000179.3(MSH6):c.505A>G (p.Lys169Glu)

Gene: MSH6 (mutS homolog 6; plus strand). Cytogenetic location: 2p16.3.
Variant type: single nucleotide variant.
Coding change: c.505A>G on transcript NM_000179.3 (MANE Select); coding-DNA position 505, A replaced by G.
Protein change: p.Lys169Glu; replaces lysine 169 with glutamic acid.
Molecular consequence: missense variant. On other transcripts: 5 prime UTR variant (1), intron variant (2).
Genome position (GRCh38, 1-based): chr2:47,795,941, A>G. VCF-style: chr2-47795941-A-G. GRCh37 (hg19) VCF-style: chr2-48023080-A-G.
Other names: c.-398A>G (NM_001281494.2); c.-279-2670A>G (NM_001281493.2); c.238-2670A>G (NM_001281492.2); short protein forms K169E.
Identifiers: ClinVar variation 1355321 (VCV001355321.10), dbSNP rs761721805, ClinGen allele CA073086.